The following is an entry in ClinVar:

NM_206933.4(USH2A):c.6513G>C (p.Gly2171=)

Gene: USH2A (usherin; minus strand). Cytogenetic location: 1q41.
Variant type: single nucleotide variant.
Coding change: c.6513G>C on transcript NM_206933.4 (MANE Select); coding-DNA position 6513, G replaced by C.
Protein change: p.Gly2171=; no amino-acid change (glycine 2171 retained).
Molecular consequence: synonymous variant.
Genome position (GRCh38, 1-based): chr1:215,999,031, C>G on the plus strand (G>C on the coding strand, the complement: USH2A is on the minus strand). VCF-style: chr1-215999031-C-G. GRCh37 (hg19) VCF-style: chr1-216172373-C-G.
Identifiers: ClinVar variation 228219 (VCV000228219.14), dbSNP rs876657629, ClinGen allele CA10576382.
Genomic context (GRCh38, chr1:215,999,031, plus strand): 5'-ACTCCAAATTGTAAAATCATGTGTATGGTTTGACATATATAATACATAGCGTTCCAGAAT[C>G]CCACTTATTTTTCTTGGTTGTTTCCACCTGGGAATGGTAAAATACATTATTATCATTCAT-3'
Protein context (NP_996816.3, residues 2161-2181): IQWKQPRKIS[Gly2171=]ILERYVLYMS

ClinVar aggregate classification (germline): Likely benign. Review status: criteria provided, multiple submitters, no conflicts (2 of 4 stars). 5 submissions from 4 submitters: Likely benign (4). 1 of the submissions does not count toward it. Last evaluated 2023-11-04.

Conditions:
Retinitis pigmentosa 39 (RP39). Identifiers: Orphanet 791, MedGen C3151138, MONDO:0013436, OMIM 613809.
Usher syndrome type 2A. Also called: RETINAL DISEASE IN USHER SYNDROME TYPE IIA, MODIFIER OF; USHER SYNDROME, TYPE IIA. Identifiers: Orphanet 231178, Orphanet 886, MedGen C1848634, MONDO:0010169, OMIM 276901.

gnomAD v4.1: 6 of 1,612,274 alleles (0.00037%); highest among the groups gnomAD compares: African/African-American, 0.008%; no homozygotes.

Submissions (5):

Genome-Nilou Lab
Classification: Likely benign for Retinitis pigmentosa 39. Last evaluated: 2023-11-04. Review status: criteria provided, single submitter. Criteria: ACMG Guidelines, 2015. Collection method: clinical testing. Allele origin: germline. Affected: no.

Genome-Nilou Lab
Classification: Likely benign for Usher syndrome type 2A. Last evaluated: 2023-11-04. Review status: criteria provided, single submitter. Criteria: ACMG Guidelines, 2015. Collection method: clinical testing. Allele origin: germline. Affected: no.

Labcorp Genetics (formerly Invitae), Labcorp
Classification: Likely benign. Last evaluated: 2022-09-14. Review status: criteria provided, single submitter. Criteria: Invitae Variant Classification Sherloc (09022015). Collection method: clinical testing. Allele origin: germline.

Laboratory for Molecular Medicine, Mass General Brigham Personalized Medicine
Classification: Likely benign. Last evaluated: 2015-03-25. Review status: criteria provided, single submitter. Criteria: LMM Criteria. Collection method: clinical testing. Allele origin: germline. Observed: 1 variant allele.
Comment: p.Gly2171Gly in Exon 34 of USH2A: This variant is not expected to have clinical significance because it does not alter an amino acid residue and is not located within the splice consensus sequence.

Counsyl
Classification: Likely benign for Usher syndrome type 2A; Retinitis pigmentosa 39. Last evaluated: 2017-09-26. Review status: no assertion criteria provided. Collection method: clinical testing. Allele origin: unknown. Not counted in ClinVar's aggregate classification.